The following is an entry in ClinVar:

NM_003737.4(DCHS1):c.6379C>G (p.Arg2127Gly)

Gene: DCHS1 (dachsous cadherin-related 1; minus strand). Cytogenetic location: 11p15.4.
Variant type: single nucleotide variant.
Coding change: c.6379C>G on transcript NM_003737.4 (MANE Select); coding-DNA position 6379, C replaced by G.
Protein change: p.Arg2127Gly; replaces arginine 2127 with glycine.
Molecular consequence: missense variant.
Genome position (GRCh38, 1-based): chr11:6,626,366, G>C on the plus strand (C>G on the coding strand, the complement: DCHS1 is on the minus strand). VCF-style: chr11-6626366-G-C. GRCh37 (hg19) VCF-style: chr11-6647597-G-C.
Other names: c.6379C>G (NM_003737.2); short protein forms R2127G.
Identifiers: ClinVar variation 3342762 (VCV003342762.2).

ClinVar aggregate classification (germline): Uncertain significance. Review status: criteria provided, multiple submitters, no conflicts (2 of 4 stars). 2 submissions from 2 submitters: Uncertain significance (2). Last evaluated 2024-10-12.

Conditions:
Inborn genetic diseases. Identifiers: MedGen C0950123, MeSH D030342.

gnomAD v4.1: 3 of 1,613,236 alleles (0.00019%); highest among the groups gnomAD compares: East Asian, 0.0067%; no homozygotes.

Submissions (2):

Ambry Genetics
Classification: Uncertain significance for Inborn genetic diseases. Last evaluated: 2024-10-12. Review status: criteria provided, single submitter. Criteria: Ambry Variant Classification Scheme 2023. Collection method: clinical testing. Allele origin: germline.

GeneDx
Classification: Uncertain significance. Last evaluated: 2023-10-17. Review status: criteria provided, single submitter. Criteria: GeneDx Variant Classification Process June 2021. Collection method: clinical testing. Allele origin: germline. Affected: yes.
Comment: In silico analysis supports that this missense variant has a deleterious effect on protein structure/function; Has not been previously published as pathogenic or benign to our knowledge